The following is an entry in ClinVar:

ClinVar aggregate classification (germline): Uncertain significance (1 of 4 stars; one submission).

Conditions:
Intellectual developmental disorder, autosomal dominant 30, with speech delay and behavioral abnormalities. Also called: Intellectual disability, autosomal dominant 30. Identifiers: Orphanet 436151, MedGen C4015167, MONDO:0014486, OMIM 616083.

Allele frequency attached by ClinVar (database versions not stated): gnomAD exomes below 0.00001; TOPMed below 0.00001; ExAC 0.00002.
gnomAD v4.1: 7 of 1,614,200 alleles (0.00043%); highest among the groups gnomAD compares: Non-Finnish European, 0.00051%; no homozygotes.

Submission:

Genetics and Molecular Pathology, SA Pathology
Classification: Uncertain significance for Intellectual developmental disorder, autosomal dominant 30, with speech delay and behavioral abnormalities. Last evaluated: 2023-03-15. Review status: criteria provided, single submitter. Criteria: ACMG Guidelines, 2015. Collection method: clinical testing. Allele origin: germline. Affected: yes.
Comment: The ZMYND11 c.1678A>C variant is classified as VUS (PS2_Supporting, PM2) The ZMYND11 c.1678A>C variant is a single nucleotide change in exon 14/15 of the ZMYND11 gene, which is predicted to change the amino acid lysine at position 560 in the protein to glutamine. (PS2_supporting). This variant is absent from population databases (PM2). The variant has been reported in dbSNP (rs758034609). It has not been reported in Clin Var or HGMD.

NM_001370100.5(ZMYND11):c.1678A>C (p.Lys560Gln)

Genes: ZMYND11 (zinc finger MYND-type containing 11; plus strand), LOC126860802 (BRD4-independent group 4 enhancer GRCh37_chr10:294268-295467; plus strand). Cytogenetic location: 10p15.3.
Variant type: single nucleotide variant.
Coding change: c.1678A>C on transcript NM_001370100.5 (MANE Select); coding-DNA position 1678, A replaced by C.
Protein change: p.Lys560Gln; replaces lysine 560 with glutamine.
Molecular consequence: missense variant. On other transcripts: non-coding transcript variant (1).
Genome position (GRCh38, 1-based): chr10:249,080, A>C. VCF-style: chr10-249080-A-C. GRCh37 (hg19) VCF-style: chr10-295020-A-C.
Other names: c.1678A>C, p.Lys560Gln (NM_001161482.1, NM_001202468.1, NM_001370097.3 and 5 more transcripts); c.1516A>C, p.Lys506Gln (NM_001202464.3, NM_001202467.1, NM_001370103.2 and 6 more transcripts); c.1423A>C, p.Lys475Gln (NM_001202465.3, NM_001370110.2); c.1513A>C, p.Lys505Gln (NM_001202466.3, NM_001370111.2); c.1627A>C, p.Lys543Gln (NM_001330057.3, NM_001370112.2); c.1585A>C, p.Lys529Gln (NM_001370113.2, NM_001370114.2); c.1675A>C, p.Lys559Gln (NM_001370115.2, NM_212479.4); c.1612A>C, p.Lys538Gln (NM_001370116.2); and 8 more; short protein forms K403Q, K441Q, K458Q, K466Q, K475Q, K484Q, K505Q, K506Q.
Identifiers: ClinVar variation 2664693 (VCV002664693.1), dbSNP rs758034609, ClinGen allele CA5379296.
Genomic context (GRCh38, chr10:249,080, plus strand): 5'-GTAGAAGAAATCAAGAAGCTGGCAACACAGCACAAGCAACTGATTTCTCAGACCAAGAAG[A>C]AGCAGTGGGTAAATACCAGTCTTTTTTAGACCCTTATTTCTGAAAATGTACCACAGGTAT-3'
Protein context (NP_001357029.1, residues 550-570): HKQLISQTKK[Lys560Gln]QWCYNCEEEA